The following is an entry in ClinVar:

NM_000426.4(LAMA2):c.2001T>C (p.Phe667=)

Gene: LAMA2 (laminin subunit alpha 2; plus strand). Cytogenetic location: 6q22.33.
Variant type: single nucleotide variant.
Coding change: c.2001T>C on transcript NM_000426.4 (MANE Select); coding-DNA position 2001, T replaced by C.
Protein change: p.Phe667=; no amino-acid change (phenylalanine 667 retained).
Molecular consequence: synonymous variant.
Genome position (GRCh38, 1-based): chr6:129,252,200, T>C. VCF-style: chr6-129252200-T-C. GRCh37 (hg19) VCF-style: chr6-129573345-T-C.
Other names: c.2001T>C, p.Phe667= (NM_001079823.2); c.2001T>C (NM_000426.3).
Identifiers: ClinVar variation 1139950 (VCV001139950.11), dbSNP rs138600346, ClinGen allele CA146919421.

ClinVar aggregate classification (germline): Likely benign. Review status: criteria provided, single submitter (1 of 4 stars). 2 submissions from 2 submitters: Likely benign (1). 1 of the submissions does not count toward it. Last evaluated 2025-09-02.

Conditions:
LAMA2-related disorder. Also called: LAMA2-related disorders; LAMA2-related condition.
LAMA2-related muscular dystrophy (LAMA2-RD). Also called: Laminin alpha 2-related dystrophy. Identifiers: MedGen C5679788, MONDO:0100228.

Allele frequency attached by ClinVar (database versions not stated): gnomAD 0.00001; gnomAD exomes 0.00001; TOPMed 0.00002; ESP Exome Variant Server 0.00008.
gnomAD v4.1: 24 of 1,613,868 alleles (0.0015%); highest among the groups gnomAD compares: Non-Finnish European, 0.002%; no homozygotes.

Submissions (2):

Labcorp Genetics (formerly Invitae), Labcorp
Classification: Likely benign for LAMA2-related muscular dystrophy. Last evaluated: 2025-09-02. Review status: criteria provided, single submitter. Criteria: Invitae Variant Classification Sherloc (09022015). Collection method: clinical testing. Allele origin: germline.

PreventionGenetics, part of Exact Sciences
Classification: Likely benign for LAMA2-related condition. Last evaluated: 2022-03-14. Review status: no assertion criteria provided. Collection method: clinical testing. Allele origin: germline. Not counted in ClinVar's aggregate classification.
Comment: This variant is classified as likely benign based on ACMG/AMP sequence variant interpretation guidelines (Richards et al. 2015 PMID: 25741868, with internal and published modifications).